The following is an entry in ClinVar:

ClinVar aggregate classification (germline): Conflicting classifications of pathogenicity. Review status: criteria provided, conflicting classifications (1 of 4 stars). 2 submissions from 2 submitters: Uncertain significance (1); Likely benign (1). Last evaluated 2026-05-24.

Conditions:
Cardiomyopathy (CMYO). Also called: Cardiomyopathies. Identifiers: Orphanet 167848, MedGen C0878544, MONDO:0004994, HP:0001638. Inheritance: Various modes of inheritance.
MYLK2-related disorder. Also called: MYLK2-related condition.

Allele frequency attached by ClinVar (database versions not stated): gnomAD 0.00001 and 0.00003; TOPMed 0.00002; gnomAD exomes 0.00003 and 0.00007.
gnomAD v4.1: 103 of 1,551,452 alleles (0.0066%); highest among the groups gnomAD compares: Non-Finnish European, 0.0088%; no homozygotes.

Submissions (2):

PreventionGenetics, part of Exact Sciences
Classification: Likely benign for MYLK2-related condition. Last evaluated: 2026-05-24. Review status: criteria provided, single submitter. Criteria: ACMG Guidelines, 2015. Collection method: clinical testing. Allele origin: germline.
Comment: This variant is classified as likely benign based on ACMG/AMP sequence variant interpretation guidelines (Richards et al. 2015 PMID: 25741868, with internal and published modifications).

CHEO Genetics Diagnostic Laboratory, Children's Hospital of Eastern Ontario
Classification: Uncertain significance for Cardiomyopathy. Last evaluated: 2020-03-11. Review status: criteria provided, single submitter. Criteria: ACMG Guidelines, 2015. Collection method: clinical testing. Allele origin: germline.

NM_033118.4(MYLK2):c.-3C>T

Gene: MYLK2 (myosin light chain kinase 2; plus strand). Cytogenetic location: 20q11.21.
Variant type: single nucleotide variant.
Coding change: c.-3C>T on transcript NM_033118.4 (MANE Select); 3 bases upstream of the start codon, C replaced by T.
Molecular consequence: 5 prime UTR variant.
Genome position (GRCh38, 1-based): chr20:31,819,578, C>T. VCF-style: chr20-31819578-C-T. GRCh37 (hg19) VCF-style: chr20-30407381-C-T.
Identifiers: ClinVar variation 915702 (VCV000915702.4), dbSNP rs1452504056, ClinGen allele CA634983864.